The following is an entry in ClinVar:

NM_001048174.2(MUTYH):c.1392+4C>G

Gene: MUTYH (mutY DNA glycosylase; minus strand). Cytogenetic location: 1p34.1.
Variant type: single nucleotide variant.
Coding change: c.1392+4C>G on transcript NM_001048174.2 (MANE Select); 4 bases into the intron after coding-DNA position 1392, C replaced by G.
Molecular consequence: intron variant.
Genome position (GRCh38, 1-based): chr1:45,331,178, G>C on the plus strand (C>G on the coding strand, the complement: MUTYH is on the minus strand). VCF-style: chr1-45331178-G-C. GRCh37 (hg19) VCF-style: chr1-45796850-G-C.
Other names: c.1392+4C>G (NM_001407072.1, NM_001407073.1, NM_001048171.2 and 6 more transcripts); c.1047+4C>G (NM_001350651.2, NM_001350650.2, NM_001407082.1); c.1116+4C>G (NM_001293192.2, NM_001293196.2, NM_001407091.1); c.1437+4C>G (NM_001293190.2); c.1425+4C>G (NM_001407069.1, NM_001407077.1, NM_001293191.2); c.1467+4C>G (NM_012222.3); c.1476+4C>G (NM_001128425.2); c.1395+4C>G (NM_001407071.1, NM_001048172.2, NM_001407078.1 and 1 more transcripts); and 5 more.
Identifiers: ClinVar variation 4723323 (VCV004723323.1).
Genomic context (GRCh38, chr1:45,331,178, plus strand): 5'-AATATATTCATGTAGAACATGTAGGAAACACAAGGAAGTACAACAAAGACAACAAAGGTA[G>C]TGCCTTTTTCATGGCGGTGGAAACAGCTGCGGTGTGAAATTCCTCCTGCGTCAGCCAGCG-3'

ClinVar aggregate classification (germline): Uncertain significance (1 of 4 stars; one submission).

Conditions:
Familial adenomatous polyposis 2. Also called: FAP type 2; COLORECTAL ADENOMATOUS POLYPOSIS, AUTOSOMAL RECESSIVE; ADENOMAS, MULTIPLE COLORECTAL, AUTOSOMAL RECESSIVE; MYH-associated polyposis; MUTYH Polyposis; Adenomas, multiple colorectal. Identifiers: Orphanet 220460, Orphanet 247798, MedGen C3272841, MONDO:0012041, OMIM 608456.

Submission:

Labcorp Genetics (formerly Invitae), Labcorp
Classification: Uncertain significance for Familial adenomatous polyposis 2. Last evaluated: 2025-07-16. Review status: criteria provided, single submitter. Criteria: Invitae Variant Classification Sherloc (09022015). Collection method: clinical testing. Allele origin: germline.
Comment: This sequence change falls in intron 14 of the MUTYH gene. It does not directly change the encoded amino acid sequence of the MUTYH protein. It affects a nucleotide within the consensus splice site. This variant is not present in population databases (gnomAD no frequency). This variant has not been reported in the literature in individuals affected with MUTYH-related conditions. Variants that disrupt the consensus splice site are a relatively common cause of aberrant splicing (PMID: 17576681, 9536098). Algorithms developed to predict the effect of sequence changes on RNA splicing suggest that this variant may create or strengthen a splice site. In summary, the available evidence is currently insufficient to determine the role of this variant in disease. Therefore, it has been classified as a Variant of Uncertain Significance.

Literature cited by the submitters: PubMed 17576681; PubMed 9536098.